The following is an entry in ClinVar:

NM_001042492.3(NF1):c.5269-35C>G

Gene: NF1 (neurofibromin 1; plus strand). Cytogenetic location: 17q11.2.
Variant type: single nucleotide variant.
Coding change: c.5269-35C>G on transcript NM_001042492.3 (MANE Select); 35 bases into the intron before coding-DNA position 5269, C replaced by G.
Molecular consequence: intron variant.
Genome position (GRCh38, 1-based): chr17:31,327,464, C>G. VCF-style: chr17-31327464-C-G. GRCh37 (hg19) VCF-style: chr17-29654482-C-G.
Other names: c.5206-35C>G (NM_000267.4).
Identifiers: ClinVar variation 3061480 (VCV003061480.2), dbSNP rs367818974, ClinGen allele CA8487166.
Genomic context (GRCh38, chr17:31,327,464, plus strand): 5'-GTTTTGTTTGGTTGGTTGGTTTCTGGAGCCTTTTAGAATTTTATGTAAAAGAGTTTAATT[C>G]TTCTCCACTTCACCCCGTCACCACCACTTTCCAGGTTGGTTCTACTGCTGTCCAAGTAAC-3'

ClinVar aggregate classification (germline): Likely benign (0 of 4 stars; one submission).

Conditions:
NF1-related disorder. Also called: NF1-related condition. Identifiers: MedGen CN379171.

Allele frequency attached by ClinVar (database versions not stated): ExAC 0.00001; gnomAD 0.00001; gnomAD exomes 0.00002; ESP Exome Variant Server 0.00008.
gnomAD v4.1: 25 of 1,525,490 alleles (0.0016%); highest among the groups gnomAD compares: Non-Finnish European, 0.0021%; no homozygotes.

Submission:

PreventionGenetics, part of Exact Sciences
Classification: Likely benign for NF1-related condition. Last evaluated: 2022-01-10. Review status: no assertion criteria provided. Collection method: clinical testing. Allele origin: germline.
Comment: This variant is classified as likely benign based on ACMG/AMP sequence variant interpretation guidelines (Richards et al. 2015 PMID: 25741868, with internal and published modifications).